The following is an entry in ClinVar:

ClinVar aggregate classification (germline): Uncertain significance (1 of 4 stars; one submission).

Submission:

Labcorp Genetics (formerly Invitae), Labcorp
Classification: Uncertain significance. Last evaluated: 2022-01-02. Review status: criteria provided, single submitter. Criteria: Invitae Variant Classification Sherloc (09022015). Collection method: clinical testing. Allele origin: germline.
Comment: In summary, the available evidence is currently insufficient to determine the role of this variant in disease. Therefore, it has been classified as a Variant of Uncertain Significance. Algorithms developed to predict the effect of missense changes on protein structure and function (SIFT, PolyPhen-2, Align-GVGD) all suggest that this variant is likely to be tolerated. This variant has not been reported in the literature in individuals affected with AP3B2-related conditions. This variant is not present in population databases (gnomAD no frequency). This sequence change replaces valine, which is neutral and non-polar, with leucine, which is neutral and non-polar, at codon 1076 of the AP3B2 protein (p.Val1076Leu).

NM_001278512.2(AP3B2):c.3283G>C (p.Val1095Leu)

Genes: AP3B2 (adaptor related protein complex 3 subunit beta 2; minus strand), CPEB1-AS1 (CPEB1 antisense RNA 1; plus strand). Cytogenetic location: 15q25.2.
Variant type: single nucleotide variant.
Coding change: c.3283G>C on transcript NM_001278512.2 (MANE Select); coding-DNA position 3283, G replaced by C.
Protein change: p.Val1095Leu; replaces valine 1095 with leucine.
Molecular consequence: missense variant.
Genome position (GRCh38, 1-based): chr15:82,659,583, C>G on the plus strand (G>C on the coding strand, the complement: AP3B2 is on the minus strand). VCF-style: chr15-82659583-C-G. GRCh37 (hg19) VCF-style: chr15-83328335-C-G.
Other names: c.3130G>C, p.Val1044Leu (NM_001278511.2); c.415G>C, p.Val139Leu (NM_001348441.2); c.3226G>C, p.Val1076Leu (NM_004644.5); short protein forms V1076L, V139L, V1044L, V1095L.
Identifiers: ClinVar variation 2070142 (VCV002070142.4), dbSNP rs2548691674, ClinGen allele CA393305079.